The following is an entry in ClinVar:

ClinVar aggregate classification (germline): Uncertain significance (1 of 4 stars; one submission).

Conditions:
Familial thoracic aortic aneurysm and aortic dissection (TAAD). Also called: Thoracic aortic aneurysms and dissections. Identifiers: Orphanet 91387, MedGen C4707243, MONDO:0019625.

Submission:

Ambry Genetics
Classification: Uncertain significance for Familial thoracic aortic aneurysm and aortic dissection. Last evaluated: 2024-10-08. Review status: criteria provided, single submitter. Criteria: Ambry Variant Classification Scheme 2023. Collection method: clinical testing. Allele origin: germline.
Comment: The p.P112L variant (also known as c.335C>T), located in coding exon 2 of the TGFBR1 gene, results from a C to T substitution at nucleotide position 335. The proline at codon 112 is replaced by leucine, an amino acid with similar properties. This amino acid position is conserved. In addition, the in silico prediction for this alteration is inconclusive. Based on the available evidence, the clinical significance of this variant remains unclear.

NM_004612.4(TGFBR1):c.335C>T (p.Pro112Leu)

Gene: TGFBR1 (transforming growth factor beta receptor 1; plus strand). Cytogenetic location: 9q22.33.
Variant type: single nucleotide variant.
Coding change: c.335C>T on transcript NM_004612.4 (MANE Select); coding-DNA position 335, C replaced by T.
Protein change: p.Pro112Leu; replaces proline 112 with leucine.
Molecular consequence: missense variant. On other transcripts: non-coding transcript variant (4), intron variant (3).
Genome position (GRCh38, 1-based): chr9:99,129,092, C>T. VCF-style: chr9-99129092-C-T. GRCh37 (hg19) VCF-style: chr9-101891374-C-T.
Other names: c.335C>T, p.Pro112Leu (NM_001130916.3, NM_001306210.2, NM_001407416.1 and 2 more transcripts); c.128C>T, p.Pro43Leu (NM_001407418.1, NM_001407419.1, NM_001407420.1 and 12 more transcripts); c.98-3417C>T (NM_001407436.1); c.98-8767C>T (NM_001407438.1); c.98-13444C>T (NM_001407437.1); short protein forms P112L, P43L.
Identifiers: ClinVar variation 3455829 (VCV003455829.1).